The following is an entry in ClinVar:

NM_014208.3(DSPP):c.1258G>T (p.Val420Phe)

Genes: DMP1-AS1 (DMP1 and DSPP antisense RNA 1; minus strand), DSPP (dentin sialophosphoprotein; plus strand). Cytogenetic location: 4q22.1.
Variant type: single nucleotide variant.
Coding change: c.1258G>T on transcript NM_014208.3 (MANE Select); coding-DNA position 1258, G replaced by T.
Protein change: p.Val420Phe; replaces valine 420 with phenylalanine.
Molecular consequence: missense variant.
Genome position (GRCh38, 1-based): chr4:87,613,920, G>T. VCF-style: chr4-87613920-G-T. GRCh37 (hg19) VCF-style: chr4-88535072-G-T.
Other names: short protein forms V420F.
Identifiers: ClinVar variation 1326758 (VCV001326758.2), dbSNP rs911893658, ClinGen allele CA100850787.

ClinVar aggregate classification (germline): Uncertain significance (1 of 4 stars; one submission).

Allele frequency attached by ClinVar (database versions not stated): TOPMed below 0.00001; gnomAD 0.00001.
gnomAD v4.1: 5 of 1,614,070 alleles (0.00031%); highest among the groups gnomAD compares: Non-Finnish European, 0.00042%; no homozygotes.

Submission:

GeneDx
Classification: Uncertain significance. Last evaluated: 2021-05-24. Review status: criteria provided, single submitter. Criteria: GeneDx Variant Classification Process June 2021. Collection method: clinical testing. Allele origin: germline. Affected: yes.
Comment: Not observed at significant frequency in large population cohorts (Lek et al., 2016); In silico analysis supports that this missense variant does not alter protein structure/function; Has not been previously published as pathogenic or benign to our knowledge